The following is an entry in ClinVar:

ClinVar aggregate classification (germline): Uncertain significance. Review status: criteria provided, multiple submitters, no conflicts (2 of 4 stars). 2 submissions from 2 submitters: Uncertain significance (2). Last evaluated 2025-10-29.

Conditions:
Inborn genetic diseases. Identifiers: MedGen C0950123, MeSH D030342.

Allele frequency attached by ClinVar (database versions not stated): gnomAD 0.00004; TOPMed 0.00004; ExAC 0.00002; gnomAD exomes 0.00001.
gnomAD v4.1: 16 of 1,599,754 alleles (0.001%); highest among the groups gnomAD compares: African/African-American, 0.019%; no homozygotes.

Submissions (2):

Labcorp Genetics (formerly Invitae), Labcorp
Classification: Uncertain significance. Last evaluated: 2025-10-29. Review status: criteria provided, single submitter. Criteria: Invitae Variant Classification Sherloc (09022015). Collection method: clinical testing. Allele origin: germline.
Comment: This sequence change replaces threonine, which is neutral and polar, with alanine, which is neutral and non-polar, at codon 1405 of the SI protein (p.Thr1405Ala). This variant is present in population databases (rs770490689, gnomAD 0.02%). This variant has not been reported in the literature in individuals affected with SI-related conditions. ClinVar contains an entry for this variant (Variation ID: 1958917). Invitae Evidence Modeling of protein sequence and biophysical properties (such as structural, functional, and spatial information, amino acid conservation, physicochemical variation, residue mobility, and thermodynamic stability) indicates that this missense variant is not expected to disrupt SI protein function with a negative predictive value of 95%. In summary, the available evidence is currently insufficient to determine the role of this variant in disease. Therefore, it has been classified as a Variant of Uncertain Significance.

Ambry Genetics
Classification: Uncertain significance for Inborn genetic diseases. Last evaluated: 2024-11-13. Review status: criteria provided, single submitter. Criteria: Ambry Variant Classification Scheme 2023. Collection method: clinical testing. Allele origin: germline.

NM_001041.4(SI):c.4213A>G (p.Thr1405Ala)

Gene: SI (sucrase-isomaltase; minus strand). Cytogenetic location: 3q26.1.
Variant type: single nucleotide variant.
Coding change: c.4213A>G on transcript NM_001041.4 (MANE Select); coding-DNA position 4213, A replaced by G.
Protein change: p.Thr1405Ala; replaces threonine 1405 with alanine.
Molecular consequence: missense variant.
Genome position (GRCh38, 1-based): chr3:165,007,965, T>C on the plus strand (A>G on the coding strand, the complement: SI is on the minus strand). VCF-style: chr3-165007965-T-C. GRCh37 (hg19) VCF-style: chr3-164725753-T-C.
Other names: c.4213A>G (NM_001041.3); short protein forms T1405A.
Identifiers: ClinVar variation 1958917 (VCV001958917.6), dbSNP rs770490689, ClinGen allele CA2689973.